The following is an entry in ClinVar:

NM_016604.4(KDM3B):c.949G>C (p.Gly317Arg)

Gene: KDM3B (lysine demethylase 3B; plus strand). Cytogenetic location: 5q31.2.
Variant type: single nucleotide variant.
Coding change: c.949G>C on transcript NM_016604.4 (MANE Select); coding-DNA position 949, G replaced by C.
Protein change: p.Gly317Arg; replaces glycine 317 with arginine.
Molecular consequence: missense variant.
Genome position (GRCh38, 1-based): chr5:138,386,190, G>C. VCF-style: chr5-138386190-G-C. GRCh37 (hg19) VCF-style: chr5-137721879-G-C.
Other names: short protein forms G317R.
Identifiers: ClinVar variation 5021082 (VCV005021082.1).

ClinVar aggregate classification (germline): Uncertain significance (1 of 4 stars; one submission).

Submission:

Dasa
Classification: Uncertain significance. Last evaluated: 2024-08-14. Review status: criteria provided, single submitter. Criteria: DASA Assertion Criteria. Collection method: clinical testing. Allele origin: germline.
Comment: NM_016604.4(KDM3B):c.949G>C (p.Gly317Arg) is a missense variant that results in the substitution of glycine with arginine. This variant is absent from population databases. Computational prediction algorithms are consistent with a benign effect. The currently available literature and clinical evidence are not sufficient to establish a definitive association between this variant and the reported condition. Therefore, this variant is classified as a variant of uncertain significance.